The following is an entry in ClinVar:

NM_015909.4(NBAS):c.5313T>A (p.Cys1771Ter)

Gene: NBAS (NBAS subunit of NRZ tethering complex; minus strand). Cytogenetic location: 2p24.3.
Variant type: single nucleotide variant.
Coding change: c.5313T>A on transcript NM_015909.4 (MANE Select); coding-DNA position 5313, T replaced by A.
Protein change: p.Cys1771Ter; replaces cysteine 1771 with a stop codon.
Molecular consequence: nonsense. On other transcripts: non-coding transcript variant (1).
Genome position (GRCh38, 1-based): chr2:15,276,927, A>T on the plus strand (T>A on the coding strand, the complement: NBAS is on the minus strand). VCF-style: chr2-15276927-A-T. GRCh37 (hg19) VCF-style: chr2-15417051-A-T.
Other names: short protein forms C1771*.
Identifiers: ClinVar variation 4888009 (VCV004888009.1).

ClinVar aggregate classification (germline): Pathogenic (1 of 4 stars; one submission).

Conditions:
Optic neuropathy. Also called: Optic nerve disorder. Identifiers: MedGen C3887709, MONDO:0002135, HP:0001138.

Submission:

Genetics Laboratory, Great Ormond Street Hospital NHS Foundation Trust, North Thames Genomic Laboratory Hub
Classification: Pathogenic for Optic neuropathy. Last evaluated: 2026-07-10. Review status: criteria provided, single submitter. Criteria: ACGS Best Practice Guidelines for Variant Classification in Rare Disease 2024 v1.2. Collection method: clinical testing. Allele origin: germline. Affected: yes.
Comment: PM2_moderate, PVS1_very-strong